The following is an entry in ClinVar:

ClinVar aggregate classification (germline): Likely benign (1 of 4 stars; one submission).

Conditions:
DEGS1-related disorder. Also called: DEGS1-related condition.

gnomAD v4.1: 119 of 1,614,022 alleles (0.0074%); highest among the groups gnomAD compares: South Asian, 0.13%; 2 homozygotes.

Submission:

PreventionGenetics, part of Exact Sciences
Classification: Likely benign for DEGS1-related condition. Last evaluated: 2026-07-23. Review status: criteria provided, single submitter. Criteria: ACMG Guidelines, 2015. Collection method: clinical testing. Allele origin: germline.
Comment: This variant is classified as likely benign based on ACMG/AMP sequence variant interpretation guidelines (Richards et al. 2015 PMID: 25741868, with internal and published modifications).

NM_003676.4(DEGS1):c.555G>A (p.Leu185=)

Gene: DEGS1 (delta 4-desaturase, sphingolipid 1; plus strand). Cytogenetic location: 1q42.11.
Variant type: single nucleotide variant.
Coding change: c.555G>A on transcript NM_003676.4 (MANE Select); coding-DNA position 555, G replaced by A.
Protein change: p.Leu185=; no amino-acid change (leucine 185 retained).
Molecular consequence: synonymous variant.
Genome position (GRCh38, 1-based): chr1:224,190,049, G>A. VCF-style: chr1-224190049-G-A. GRCh37 (hg19) VCF-style: chr1-224377751-G-A.
Other names: c.555G>A, p.Leu185= (NM_001321541.2); c.447G>A, p.Leu149= (NM_001321542.2).
Identifiers: ClinVar variation 4979274 (VCV004979274.1).